The following is an entry in ClinVar:

ClinVar aggregate classification (germline): Likely pathogenic (1 of 4 stars; one submission).

Conditions:
Familial ovarian cancer. Identifiers: MedGen C5679802, MONDO:0016248.

Submission:

Myriad Genetics, Inc.
Classification: Likely pathogenic for Familial ovarian cancer. Last evaluated: 2026-08-05. Review status: criteria provided, single submitter. Criteria: Myriad Autosomal Dominant, Autosomal Recessive and X-Linked Classification Criteria (2023). Collection method: clinical testing. Allele origin: unknown.
Comment: This variant is considered likely pathogenic. This variant occurs within a consensus splice junction and is predicted to result in abnormal mRNA splicing of either an out-of-frame exon or an in-frame exon necessary for protein stability and/or normal function.

NM_032043.3(BRIP1):c.1140+1G>T

Gene: BRIP1 (BRCA1 interacting DNA helicase 1; minus strand). Cytogenetic location: 17q23.2.
Variant type: single nucleotide variant.
Coding change: c.1140+1G>T on transcript NM_032043.3 (MANE Select); the canonical splice donor site of the intron after coding-DNA position 1140, G replaced by T.
Molecular consequence: splice donor variant.
Genome position (GRCh38, 1-based): chr17:61,801,252, C>A on the plus strand (G>T on the coding strand, the complement: BRIP1 is on the minus strand). VCF-style: chr17-61801252-C-A. GRCh37 (hg19) VCF-style: chr17-59878613-C-A.
Identifiers: ClinVar variation 5042075 (VCV005042075.1).